The following is an entry in ClinVar:

NM_000179.3(MSH6):c.583G>C (p.Val195Leu)

Gene: MSH6 (mutS homolog 6; plus strand). Cytogenetic location: 2p16.3.
Variant type: single nucleotide variant.
Coding change: c.583G>C on transcript NM_000179.3 (MANE Select); coding-DNA position 583, G replaced by C.
Protein change: p.Val195Leu; replaces valine 195 with leucine.
Molecular consequence: missense variant. On other transcripts: 5 prime UTR variant (1), intron variant (2).
Genome position (GRCh38, 1-based): chr2:47,796,019, G>C. VCF-style: chr2-47796019-G-C. GRCh37 (hg19) VCF-style: chr2-48023158-G-C.
Other names: c.-320G>C (NM_001281494.2); c.-279-2592G>C (NM_001281493.2); c.238-2592G>C (NM_001281492.2); short protein forms V195L.
Identifiers: ClinVar variation 826004 (VCV000826004.9), dbSNP rs267608038, ClinGen allele CA346738818.

ClinVar aggregate classification (germline): Uncertain significance. Review status: criteria provided, multiple submitters, no conflicts (2 of 4 stars). 2 submissions from 2 submitters: Uncertain significance (2). Last evaluated 2025-02-13.

Conditions:
Hereditary nonpolyposis colorectal neoplasms. Identifiers: MedGen C0009405, MeSH D003123.
Hereditary cancer-predisposing syndrome. Also called: Neoplastic Syndromes, Hereditary; Tumor predisposition; Hereditary neoplastic syndrome; Hereditary Cancer Syndrome. Identifiers: Orphanet 140162, MedGen C0027672, MeSH D009386, MONDO:0015356.

Submissions (2):

Labcorp Genetics (formerly Invitae), Labcorp
Classification: Uncertain significance for Hereditary nonpolyposis colorectal neoplasms. Last evaluated: 2025-02-13. Review status: criteria provided, single submitter. Criteria: Invitae Variant Classification Sherloc (09022015). Collection method: clinical testing. Allele origin: germline.
Comment: This sequence change replaces valine, which is neutral and non-polar, with leucine, which is neutral and non-polar, at codon 195 of the MSH6 protein (p.Val195Leu). This variant is not present in population databases (gnomAD no frequency). This variant has not been reported in the literature in individuals affected with MSH6-related conditions. ClinVar contains an entry for this variant (Variation ID: 826004). Invitae Evidence Modeling of protein sequence and biophysical properties (such as structural, functional, and spatial information, amino acid conservation, physicochemical variation, residue mobility, and thermodynamic stability) indicates that this missense variant is not expected to disrupt MSH6 protein function with a negative predictive value of 95%. In summary, the available evidence is currently insufficient to determine the role of this variant in disease. Therefore, it has been classified as a Variant of Uncertain Significance.

Ambry Genetics
Classification: Uncertain significance for Hereditary cancer-predisposing syndrome. Last evaluated: 2019-01-15. Review status: criteria provided, single submitter. Criteria: Ambry Variant Classification Scheme 2023. Collection method: clinical testing. Allele origin: germline.
Comment: The p.V195L variant (also known as c.583G>C), located in coding exon 3 of the MSH6 gene, results from a G to C substitution at nucleotide position 583. The valine at codon 195 is replaced by leucine, an amino acid with highly similar properties. This amino acid position is well conserved in available vertebrate species. In addition, this alteration is predicted to be tolerated by in silico analysis. In addition, the CoDP in silico tool predicts this alteration to have minor impact on molecular function, with a score of 0.000 (Terui H et al. J. Biomed. Sci. 2013 Apr;20:25). Since supporting evidence is limited at this time, the clinical significance of this alteration remains unclear.